The following is an entry in ClinVar:

ClinVar aggregate classification (germline): Conflicting classifications of pathogenicity. Review status: criteria provided, conflicting classifications (1 of 4 stars). 2 submissions from 2 submitters: Uncertain significance (1); Likely benign (1). Last evaluated 2025-11-07.

Conditions:
Cardiovascular phenotype. Identifiers: MedGen CN230736.
Long QT syndrome (LQTS). Identifiers: MedGen C0023976, MeSH D008133, MONDO:0002442. Disease mechanism: loss of function. Inheritance: Various modes of inheritance.

Allele frequency attached by ClinVar (database versions not stated): TOPMed below 0.00001; gnomAD 0.00001; gnomAD exomes 0.00001 and 0.00003; ExAC 0.00003.
gnomAD v4.1: 18 of 1,613,958 alleles (0.0011%); highest among the groups gnomAD compares: South Asian, 0.016%; no homozygotes.

Submissions (2):

Ambry Genetics
Classification: Likely benign for Cardiovascular phenotype. Last evaluated: 2025-11-07. Review status: criteria provided, single submitter. Criteria: Ambry Variant Classification Scheme 2023. Collection method: clinical testing. Allele origin: germline.

Labcorp Genetics (formerly Invitae), Labcorp
Classification: Uncertain significance for Long QT syndrome. Last evaluated: 2025-09-10. Review status: criteria provided, single submitter. Criteria: Invitae Variant Classification Sherloc (09022015). Collection method: clinical testing. Allele origin: germline.
Comment: This sequence change replaces serine, which is neutral and polar, with leucine, which is neutral and non-polar, at codon 184 of the SNTA1 protein (p.Ser184Leu). This variant is present in population databases (rs753294770, gnomAD 0.02%). This variant has not been reported in the literature in individuals affected with SNTA1-related conditions. ClinVar contains an entry for this variant (Variation ID: 1353660). Invitae Evidence Modeling of protein sequence and biophysical properties (such as structural, functional, and spatial information, amino acid conservation, physicochemical variation, residue mobility, and thermodynamic stability) indicates that this missense variant is not expected to disrupt SNTA1 protein function with a negative predictive value of 80%. In summary, the available evidence is currently insufficient to determine the role of this variant in disease. Therefore, it has been classified as a Variant of Uncertain Significance.

NM_003098.3(SNTA1):c.551C>T (p.Ser184Leu)

Gene: SNTA1 (syntrophin alpha 1; minus strand). Cytogenetic location: 20q11.21.
Variant type: single nucleotide variant.
Coding change: c.551C>T on transcript NM_003098.3 (MANE Select); coding-DNA position 551, C replaced by T.
Protein change: p.Ser184Leu; replaces serine 184 with leucine.
Molecular consequence: missense variant.
Genome position (GRCh38, 1-based): chr20:33,417,869, G>A on the plus strand (C>T on the coding strand, the complement: SNTA1 is on the minus strand). VCF-style: chr20-33417869-G-A. GRCh37 (hg19) VCF-style: chr20-32005675-G-A.
Other names: c.551C>T (NM_003098.2); short protein forms S184L.
Identifiers: ClinVar variation 1353660 (VCV001353660.9), dbSNP rs753294770, ClinGen allele CA9817194.